The following is an entry in ClinVar:

NM_001127208.3(TET2):c.2457T>G (p.Tyr819Ter)

Genes: TET2 (tet methylcytosine dioxygenase 2; plus strand), TET2-AS1 (TET2 antisense RNA 1; minus strand). Cytogenetic location: 4q24.
Variant type: single nucleotide variant.
Coding change: c.2457T>G on transcript NM_001127208.3 (MANE Select); coding-DNA position 2457, T replaced by G.
Protein change: p.Tyr819Ter; replaces tyrosine 819 with a stop codon.
Molecular consequence: nonsense.
Genome position (GRCh38, 1-based): chr4:105,236,399, T>G. VCF-style: chr4-105236399-T-G. GRCh37 (hg19) VCF-style: chr4-106157556-T-G.
Other names: c.2457T>G, p.Tyr819Ter (NM_017628.4); short protein forms Y819*.
Identifiers: ClinVar variation 2033058 (VCV002033058.4), dbSNP rs2476500880, ClinGen allele CA357799084.

ClinVar aggregate classification (germline): Uncertain significance (1 of 4 stars; one submission).

Submission:

Labcorp Genetics (formerly Invitae), Labcorp
Classification: Uncertain significance. Last evaluated: 2022-09-27. Review status: criteria provided, single submitter. Criteria: Invitae Variant Classification Sherloc (09022015). Collection method: clinical testing. Allele origin: germline.
Comment: This sequence change creates a premature translational stop signal (p.Tyr819*) in the TET2 gene. It is expected to result in an absent or disrupted protein product. However, the current clinical and genetic evidence is not sufficient to establish whether loss-of-function variants in TET2 cause disease. This variant is not present in population databases (gnomAD no frequency). This variant has not been reported in the literature in individuals affected with TET2-related conditions. In summary, the available evidence is currently insufficient to determine the role of this variant in disease. Therefore, it has been classified as a Variant of Uncertain Significance.